The following is an entry in ClinVar:

ClinVar aggregate classification (germline): Uncertain significance (1 of 4 stars; one submission).

Submission:

GeneDx
Classification: Uncertain significance. Last evaluated: 2020-06-19. Review status: criteria provided, single submitter. Criteria: GeneDx Variant Classification Process June 2021. Collection method: clinical testing. Allele origin: germline. Affected: yes.
Comment: Has not been previously published as pathogenic or benign to our knowledge; Not observed in large population cohorts (Lek et al., 2016); In silico analysis supports that this missense variant does not alter protein structure/function

NM_004415.4(DSP):c.7713C>G (p.Ser2571Arg)

Gene: DSP (desmoplakin; plus strand). Cytogenetic location: 6p24.3.
Variant type: single nucleotide variant.
Coding change: c.7713C>G on transcript NM_004415.4 (MANE Select); coding-DNA position 7713, C replaced by G.
Protein change: p.Ser2571Arg; replaces serine 2571 with arginine.
Molecular consequence: missense variant.
Genome position (GRCh38, 1-based): chr6:7,584,975, C>G. VCF-style: chr6-7584975-C-G. GRCh37 (hg19) VCF-style: chr6-7585208-C-G.
Other names: c.5916C>G, p.Ser1972Arg (NM_001008844.3); c.6384C>G, p.Ser2128Arg (NM_001319034.2); short protein forms S1972R, S2128R, S2571R.
Identifiers: ClinVar variation 1312810 (VCV001312810.2), dbSNP rs2113703111, ClinGen allele CA362693616.